The following is an entry in ClinVar:

ClinVar aggregate classification (germline): Pathogenic. Review status: criteria provided, multiple submitters, no conflicts (2 of 4 stars). 5 submissions from 5 submitters: Pathogenic (5). Last evaluated 2025-07-29.

Conditions:
Neurofibromatosis, type 1 (NF1). Also called: Neurofibromatosis, type I; VON RECKLINGHAUSEN DISEASE; Peripheral type neurofibromatosis; NEUROFIBROMATOSIS, TYPE I, SOMATIC. Identifiers: Orphanet 636, MedGen C0027831, MONDO:0018975, OMIM 162200. Disease mechanism: loss of function.

Submissions (5):

Labcorp Genetics (formerly Invitae), Labcorp
Classification: Pathogenic for Neurofibromatosis, type 1. Last evaluated: 2025-07-29. Review status: criteria provided, single submitter. Criteria: Invitae Variant Classification Sherloc (09022015). Collection method: clinical testing. Allele origin: germline.
Comment: This sequence change creates a premature translational stop signal (p.Glu1908*) in the NF1 gene. It is expected to result in an absent or disrupted protein product. Loss-of-function variants in NF1 are known to be pathogenic (PMID: 10712197, 23913538). This variant is not present in population databases (gnomAD no frequency). This premature translational stop signal has been observed in individual(s) with clinical features of NF1-related conditions (PMID: 21520333). Invitae Evidence Modeling of clinical and family history, age, sex, and reported ancestry of multiple individuals with this NF1 variant has been performed. This variant is expected to be pathogenic with a positive predictive value of at least 99%. This is a validated machine learning model that incorporates the clinical features of 1,785,918 individuals referred to our laboratory for NF1 testing. ClinVar contains an entry for this variant (Variation ID: 852822). Algorithms developed to predict the effect of sequence changes on RNA splicing suggest that this variant may disrupt the consensus splice site. For these reasons, this variant has been classified as Pathogenic.

NHS Central & South Genomic Laboratory Hub
Classification: Pathogenic for Neurofibromatosis type 1. Last evaluated: 2025-04-09. Review status: criteria provided, single submitter. Criteria: ACMG Guidelines, 2015. Collection method: clinical testing. Allele origin: germline. Affected: yes.

Athena Diagnostics
Classification: Pathogenic. Last evaluated: 2024-05-07. Review status: criteria provided, single submitter. Criteria: Athena Diagnostics Criteria. Collection method: clinical testing. Allele origin: unknown.
Comment: This variant is expected to result in the loss of a functional protein. This variant has not been reported in large, multi-ethnic general populations. This variant has been identified in at least one individual tested at Athena Diagnostics with clinical features associated with this gene.

Genome-Nilou Lab
Classification: Pathogenic for Neurofibromatosis, type 1. Last evaluated: 2022-03-15. Review status: criteria provided, single submitter. Criteria: ACMG Guidelines, 2015. Collection method: clinical testing. Allele origin: germline. Affected: no.

Greenwood Genetic Center Diagnostic Laboratories, Greenwood Genetic Center
Classification: Pathogenic. Last evaluated: 2020-10-22. Review status: criteria provided, single submitter. Criteria: ACMG Guidelines, 2015. Collection method: clinical testing. Allele origin: germline. Affected: yes.

Literature cited by the submitters: PubMed 10712197 (cited by Labcorp Genetics (formerly Invitae), Labcorp); PubMed 23913538 (cited by Labcorp Genetics (formerly Invitae), Labcorp); PubMed 21520333 (cited by Labcorp Genetics (formerly Invitae), Labcorp).

NM_001042492.3(NF1):c.5785G>T (p.Glu1929Ter)

Gene: NF1 (neurofibromin 1; plus strand). Cytogenetic location: 17q11.2.
Variant type: single nucleotide variant.
Coding change: c.5785G>T on transcript NM_001042492.3 (MANE Select); coding-DNA position 5785, G replaced by T.
Protein change: p.Glu1929Ter; replaces glutamic acid 1929 with a stop codon.
Molecular consequence: nonsense.
Genome position (GRCh38, 1-based): chr17:31,330,471, G>T. VCF-style: chr17-31330471-G-T. GRCh37 (hg19) VCF-style: chr17-29657489-G-T.
Other names: c.5722G>T, p.Glu1908Ter (NM_000267.4); short protein forms E1908*, E1929*.
Identifiers: ClinVar variation 852822 (VCV000852822.12), dbSNP rs2069454068, ClinGen allele CA399010470.